The following is an entry in ClinVar:

ClinVar aggregate classification (germline): Uncertain significance (1 of 4 stars; one submission).

Conditions:
Inborn genetic diseases. Identifiers: MedGen C0950123, MeSH D030342.

Submission:

Ambry Genetics
Classification: Uncertain significance for Inborn genetic diseases. Last evaluated: 2026-09-14. Review status: criteria provided, single submitter. Criteria: Ambry Variant Classification Scheme 2023. Collection method: clinical testing. Allele origin: germline.
Comment: The p.E677K variant (also known as c.2029G>A), located in coding exon 14 of the ERCC6L2 gene, results from a G to A substitution at nucleotide position 2029. The glutamic acid at codon 677 is replaced by lysine, an amino acid with similar properties. This amino acid position is conserved. In addition, this alteration is predicted to be deleterious by in silico analysis. Based on the available evidence, the clinical significance of this variant remains unclear.

NM_020207.7(ERCC6L2):c.2029G>A (p.Glu677Lys)

Gene: ERCC6L2 (ERCC excision repair 6 like 2; plus strand). Cytogenetic location: 9q22.32.
Variant type: single nucleotide variant.
Coding change: c.2029G>A on transcript NM_020207.7 (MANE Select); coding-DNA position 2029, G replaced by A.
Protein change: p.Glu677Lys; replaces glutamic acid 677 with lysine.
Molecular consequence: missense variant. On other transcripts: non-coding transcript variant (1).
Genome position (GRCh38, 1-based): chr9:95,966,643, G>A. VCF-style: chr9-95966643-G-A. GRCh37 (hg19) VCF-style: chr9-98728925-G-A.
Other names: c.2029G>A, p.Glu677Lys (NM_001010895.4, NM_001375291.1, NM_001375292.1 and 2 more transcripts); short protein forms E677K.
Identifiers: ClinVar variation 5036118 (VCV005036118.1).